The following is an entry in ClinVar:

ClinVar aggregate classification (germline): Uncertain significance (1 of 4 stars; one submission).

Conditions:
Giant axonal neuropathy 1 (GAN1). Also called: GIANT AXONAL NEUROPATHY 1, AUTOSOMAL RECESSIVE; GAN-Related Neurodegeneration. Identifiers: Orphanet 643, MedGen C1850386, MONDO:0009749, OMIM 256850.

Allele frequency attached by ClinVar (database versions not stated): gnomAD exomes below 0.00001 and 0.00002; TOPMed 0.00001; ExAC 0.00002; gnomAD 0.00002.
gnomAD v4.1: 8 of 1,612,614 alleles (0.0005%); highest among the groups gnomAD compares: East Asian, 0.0089%; no homozygotes.

Submission:

Labcorp Genetics (formerly Invitae), Labcorp
Classification: Uncertain significance for Giant axonal neuropathy 1. Last evaluated: 2022-08-16. Review status: criteria provided, single submitter. Criteria: Invitae Variant Classification Sherloc (09022015). Collection method: clinical testing. Allele origin: germline.
Comment: This variant has not been reported in the literature in individuals affected with GAN-related conditions. This sequence change replaces aspartic acid, which is acidic and polar, with glycine, which is neutral and non-polar, at codon 104 of the GAN protein (p.Asp104Gly). This variant is present in population databases (rs773783945, gnomAD 0.01%). ClinVar contains an entry for this variant (Variation ID: 465395). Algorithms developed to predict the effect of missense changes on protein structure and function are either unavailable or do not agree on the potential impact of this missense change (SIFT: "Deleterious"; PolyPhen-2: "Benign"; Align-GVGD: "Class C15"). Algorithms developed to predict the effect of sequence changes on RNA splicing suggest that this variant may create or strengthen a splice site. In summary, the available evidence is currently insufficient to determine the role of this variant in disease. Therefore, it has been classified as a Variant of Uncertain Significance.

NM_022041.4(GAN):c.311A>G (p.Asp104Gly)

Gene: GAN (gigaxonin; plus strand). Cytogenetic location: 16q23.2.
Variant type: single nucleotide variant.
Coding change: c.311A>G on transcript NM_022041.4 (MANE Select); coding-DNA position 311, A replaced by G.
Protein change: p.Asp104Gly; replaces aspartic acid 104 with glycine.
Molecular consequence: missense variant. On other transcripts: 5 prime UTR variant (1).
Genome position (GRCh38, 1-based): chr16:81,354,433, A>G. VCF-style: chr16-81354433-A-G. GRCh37 (hg19) VCF-style: chr16-81388038-A-G.
Other names: c.-329A>G (NM_001377486.1); short protein forms D104G.
Identifiers: ClinVar variation 465395 (VCV000465395.8), dbSNP rs773783945, ClinGen allele CA8191345.
Genomic context (GRCh38, chr16:81,354,433, plus strand): 5'-TCAAATATAAGATAATTATGCTACTTTTTTAGATCAGGCTAAATGAAGATACAATCCAAG[A>G]TGTTGTTCAGGCAGCTGACCTGCTGCTACTGACGGACCTTAAAACCCTGTGCTGTGAGTT-3'
Protein context (NP_071324.1, residues 94-114): QIRLNEDTIQ[Asp104Gly]VVQAADLLLL